The following is an entry in ClinVar:

NM_000243.3(MEFV):c.2040G>C (p.Met680Ile)

Genes: MEFV (MEFV innate immunity regulator, pyrin; minus strand), LOC126862264 (CDK7 strongly-dependent group 2 enhancer GRCh37_chr16:3293322-3294521; plus strand). Cytogenetic location: 16p13.3.
Variant type: single nucleotide variant.
Coding change: c.2040G>C on transcript NM_000243.3 (MANE Select); coding-DNA position 2040, G replaced by C.
Protein change: p.Met680Ile; replaces methionine 680 with isoleucine.
Molecular consequence: missense variant. On other transcripts: 3 prime UTR variant (1).
Genome position (GRCh38, 1-based): chr16:3,243,447, C>G on the plus strand (G>C on the coding strand, the complement: MEFV is on the minus strand). VCF-style: chr16-3243447-C-G. GRCh37 (hg19) VCF-style: chr16-3293447-C-G.
Other names: MEFV, MET680ILE, 2040G-C; M680I; c.*244G>C (NM_001198536.2).
Identifiers: ClinVar variation 36507 (VCV000036507.135), dbSNP rs28940580, ClinGen allele CA280267.

ClinVar aggregate classification (germline): Pathogenic/Likely pathogenic. Review status: criteria provided, multiple submitters, no conflicts (2 of 4 stars). 48 submissions from 47 submitters: Pathogenic (36); Likely pathogenic (1). 11 of the submissions do not count toward it. Last evaluated 2026-08-01.

Conditions:
MEFV-related disorder. Also called: MEFV-related disorders; MEFV-related condition.
Acute febrile neutrophilic dermatosis (AFND). Also called: Sweet Syndrome; Gomm Button disease. Identifiers: Orphanet 3243, MedGen C0085077, MONDO:0011959, OMIM 608068.
Autoinflammatory syndrome. Identifiers: Orphanet 93665, MedGen C3890737, MONDO:0019751.
Familial Mediterranean fever (FMF). Also called: Periodic peritonitis; Benign paroxysmal peritonitis; POLYSEROSITIS, FAMILIAL PAROXYSMAL; POLYSEROSITIS, RECURRENT. Identifiers: Orphanet 342, MedGen C0031069, MONDO:0018088, OMIM 249100. Disease mechanism: gain of function.
Familial Mediterranean fever, autosomal dominant. Also called: FMF, AUTOSOMAL DOMINANT; Dominant Familial Mediterranean Fever. Identifiers: Orphanet 342, MedGen C1851347, MONDO:0007601, OMIM 134610.
Inborn genetic diseases. Identifiers: MedGen C0950123, MeSH D030342.

Allele frequency attached by ClinVar (database versions not stated): TOPMed 0.00006.
gnomAD v4.1: 93 of 1,614,134 alleles (0.0058%); highest among the groups gnomAD compares: Middle Eastern, 0.2%; no homozygotes.

Submissions 1 to 12 of 48:

CeGaT Center for Human Genetics Tuebingen
Classification: Pathogenic. Last evaluated: 2026-08-01. Review status: criteria provided, single submitter. Criteria: CeGaT Center For Human Genetics Tuebingen Variant Classification Criteria Version 2. Collection method: clinical testing. Allele origin: germline. Affected: yes. Observed: 67 variant alleles.
Comment: MEFV: PM3:Very Strong, PS1, PM5, PM2:Supporting, PS3:Supporting, BP4

Labcorp Genetics (formerly Invitae), Labcorp
Classification: Pathogenic for Familial Mediterranean fever. Last evaluated: 2026-01-27. Review status: criteria provided, single submitter. Criteria: Invitae Variant Classification Sherloc (09022015). Collection method: clinical testing. Allele origin: germline.
Comment: This sequence change replaces methionine, which is neutral and non-polar, with isoleucine, which is neutral and non-polar, at codon 680 of the MEFV protein (p.Met680Ile). This variant is present in population databases (rs28940580, gnomAD 0.02%). This missense change has been observed in individual(s) with symptoms of familial Mediterranean fever (PMID: 9288758, 21623663, 23907647, 23973724). In at least one individual the data is consistent with being in trans (on the opposite chromosome) from a pathogenic variant. It has also been observed to segregate with disease in related individuals. ClinVar contains an entry for this variant (Variation ID: 36507). An algorithm developed to predict the effect of missense changes on protein structure and function (PolyPhen-2) suggests that this variant is likely to be tolerated. For these reasons, this variant has been classified as Pathogenic.

3billion
Classification: Pathogenic for Familial Mediterranean fever. Last evaluated: 2025-10-27. Review status: criteria provided, single submitter. Criteria: ACMG Guidelines, 2015. Collection method: clinical testing. Allele origin: germline. Affected: yes.
Comment: The variant is observed at an extremely low frequency in the gnomAD v4.1.0 dataset (total allele frequency: 0.006%). Predicted Consequence/Location: Missense variant In silico tool predictions suggest no damaging effect of the variant on gene or gene product [REVEL: 0.35 (<0.4); 3Cnet: 0.05 (<0.1, specificity 0.84 and negative predicitive value 0.97)]. The same nucleotide change resulting in the same amino acid change has been previously reported as pathogenic/likely pathogenic with strong evidence (ClinVar ID: VCV000036507 /PMID: 9288758 /3billion dataset). The variant has been reported to be in trans with a pathogenic variant as either compound heterozygous or homozygous in at least 2 similarly affected unrelated individuals (PMID: 23973724, 9288758). Different missense changes at the same codon (p.Met680Leu, p.Met680Val) have been reported to be associated with MEFV-related disorder (PMID: 10842288, 28302131). Therefore, this variant is classified as Pathogenic according to the recommendation of ACMG/AMP guideline.

Institute of Immunology and Genetics Kaiserslautern
Classification: Pathogenic for Familial Mediterranean fever, autosomal dominant; Familial Mediterranean fever. Last evaluated: 2025-09-25. Review status: criteria provided, single submitter. Criteria: ACMG Guidelines, 2015. Collection method: clinical testing. Allele origin: germline. Affected: yes.
Comment: ACMG Criteria: PS1, PS4, PM1, PM3, PP5; Variant was found in heterozygous state.

Genomic Medicine Center of Excellence, King Faisal Specialist Hospital and Research Centre
Classification: Likely pathogenic for Familial Mediterranean fever. Last evaluated: 2025-09-10. Review status: criteria provided, single submitter. Criteria: ACMG Guidelines, 2015. Collection method: clinical testing. Allele origin: germline.

Variantyx, Inc.
Classification: Pathogenic for Familial Mediterranean fever, autosomal dominant. Last evaluated: 2025-08-21. Review status: criteria provided, single submitter. Criteria: Variantyx Assertion Criteria 2022. Collection method: clinical testing. Allele origin: germline. Inheritance: Semidominant inheritance. Affected: yes.
Comment: This is a nonsynonymous variant in the MEFV gene (OMIM: 608107). Pathogenic variants in this gene have been associated with autosomal semidominant familial Mediterranean fever. Computational algorithms produce conflicting evidence regarding the predicted functional impact of this variant (REVEL score: 0.35); however, two alternate nucleotide substitution resulting in the same amino acid change (c.2040G>T and c.2040G>A) have been previously reported as pathogenic (PMID: 23907647, 9288758, 10090880, 11977178, 21623663, 23907647, 23973724, 29080837 (PS1). This variant has a 0.0053% maximum allele frequency in non-founder control populations (PM2). Based on the current evidence, this variant is classified as pathogenic for autosomal semidominant familial Mediterranean fever.

Institute of Human Genetics, University of Leipzig Medical Center
Classification: Pathogenic for Familial Mediterranean fever. Last evaluated: 2025-08-14. Review status: criteria provided, single submitter. Criteria: ACMG Guidelines, 2015. Collection method: clinical testing. Allele origin: unknown. Inheritance: Autosomal recessive inheritance. Affected: yes.
Comment: Criteria applied: PM3_VSTR,PS1,PM5_STR,PM2; Identified as compund heterozygous with NM_000243.3:c.2080A>G

Natera, Inc.
Classification: Pathogenic for Familial Mediterranean fever. Last evaluated: 2025-07-03. Review status: criteria provided, single submitter. Criteria: Natera Variant Classification Schema (03/2026). Collection method: clinical testing. Allele origin: germline.
Comment: The c.2040G>C variant in MEFV is a missense variant predicted to cause substitution of methionine to isoleucine at amino acid 680. This variant is rare in the general population with a frequency below the threshold expected for the associated phenotype(s). This variant has been observed in one or more individuals affected with the associated recessive disease, as either homozygous or compound heterozygous with a second variant (PMID: 36703223, 32347339). Additionally, this variant has been observed to segregate in affected family members (PMID: 10905662). Given the available evidence, this variant is classified as Pathogenic.

ARUP Laboratories, Molecular Genetics and Genomics, ARUP Laboratories
Classification: Pathogenic. Last evaluated: 2025-04-28. Review status: criteria provided, single submitter. Criteria: ARUP Molecular Germline Variant Investigation Process 2024. Collection method: clinical testing. Allele origin: germline.
Comment: The MEFV c.2040G>C;p.Met680Ile variant has been published as a common familial Mediterranean fever pathogenic variant (Moradian 2014, The International FMF Consortium 1997). The variant is listed in the dbSNP variant database (rs28940580) with an allele frequency of 0.009 percent overall in the Exome Aggregation Consortium and 0.0077 percent in the Exome Variant Server. Taken together, this variant is considered pathogenic. References: Moradian MM et al. (2014) Patient management and the association of less common familial Mediterranean fever symptoms with other disorders. Genet Med. 16(3):258-63. The International FMF Consortium (1997) Ancient missense mutations in a new member of the RoRet gene family are likely to cause familial Mediterranean fever. Cell. 90:797-807.

Revvity Omics, Revvity
Classification: Pathogenic. Last evaluated: 2025-01-26. Review status: criteria provided, single submitter. Criteria: ACMG Guidelines, 2015. Collection method: clinical testing. Allele origin: germline.

First Genomix Gene Laboratory, Genetic Diagnostics Department
Classification: Pathogenic for Familial Mediterranean fever. Last evaluated: 2025-01-14. Review status: criteria provided, single submitter. Criteria: ACMG Guidelines, 2015. Collection method: clinical testing. Allele origin: germline. Inheritance: Autosomal recessive inheritance. Affected: no. Observed: 1 variant allele.

Blueprint Genetics
Classification: Pathogenic for MEFV-related disorders. Last evaluated: 2024-11-25. Review status: criteria provided, single submitter. Criteria: ACMG Guidelines, 2015. Collection method: clinical testing. Allele origin: germline. Affected: yes. Observed: 5 variant alleles.